The following is an entry in ClinVar:

NM_020335.3(VANGL2):c.809G>A (p.Arg270His)

Gene: VANGL2 (VANGL planar cell polarity protein 2; plus strand). Cytogenetic location: 1q23.2.
Variant type: single nucleotide variant.
Coding change: c.809G>A on transcript NM_020335.3 (MANE Select); coding-DNA position 809, G replaced by A.
Protein change: p.Arg270His; replaces arginine 270 with histidine.
Molecular consequence: missense variant.
Genome position (GRCh38, 1-based): chr1:160,420,419, G>A. VCF-style: chr1-160420419-G-A. GRCh37 (hg19) VCF-style: chr1-160390209-G-A.
Other names: short protein forms R270H.
Identifiers: ClinVar variation 4994140 (VCV004994140.1).
Genomic context (GRCh38, chr1:160,420,419, plus strand): 5'-GTGCCCCTTGGTCTGTCCCTTCTCCCACCCCCTCCTGCCGTCTCCCCCACAGCATCCAGC[G>A]CGTGGCAGTGTGGATCCTGGAGAAGTATTACCATGACTTCCCTGTCTACAACCCTGCCCT-3'
Protein context (NP_065068.1, residues 260-280): FYNVGHLSIQ[Arg270His]VAVWILEKYY

ClinVar aggregate classification (germline): Uncertain significance (1 of 4 stars; one submission).

Conditions:
VANGL2-related disorder. Also called: VANGL2-related condition.

gnomAD v4.1: 23 of 1,613,558 alleles (0.0014%); highest among the groups gnomAD compares: African/African-American, 0.02%; no homozygotes.

Submission:

PreventionGenetics, part of Exact Sciences
Classification: Uncertain significance for VANGL2-related condition. Last evaluated: 2025-12-15. Review status: criteria provided, single submitter. Criteria: ACMG Guidelines, 2015. Collection method: clinical testing. Allele origin: germline.
Comment: The VANGL2 c.809G>A variant is predicted to result in the amino acid substitution p.Arg270His. This variant was reported in an individual with neural tube defects (right convex dorsolumbar scoliosis, hydrosyringomyelia, and fibrolipomas) (Kibar et al 2011. PubMed ID: 20738329). Functional studies also indicate the R270 residue is highly conserved and important for protein function (Iliescu and Horth. 2014. PubMed ID: 25068569), although rescue experiments conducted in zebra fish were inconclusive (Derrick et al. 2024. PubMed ID: 37815931). This variant is reported in 0.012% of alleles in individuals of African descent in gnomAD, including 23 heterozygotes in the larger gnomADv4 database. At this time, the clinical significance of this variant is uncertain due to the absence of conclusive functional and genetic evidence.